The following is an entry in ClinVar:

ClinVar aggregate classification (germline): Uncertain significance (1 of 4 stars; one submission).

Conditions:
Ehlers-Danlos syndrome, classic type, 1 (EDSCL1). Also called: EHLERS-DANLOS SYNDROME, GRAVIS TYPE; EHLERS-DANLOS SYNDROME, SEVERE CLASSIC TYPE; Ehlers-Danlos syndrome, type 1; EDS I; Ehlers-Danlos Syndrome, Classic Type, COL5A1-Related. Identifiers: MedGen C0268335, MONDO:0019567, OMIM 130000.

Submission:

Labcorp Genetics (formerly Invitae), Labcorp
Classification: Uncertain significance for Ehlers-Danlos syndrome, classic type, 1. Last evaluated: 2022-05-04. Review status: criteria provided, single submitter. Criteria: Invitae Variant Classification Sherloc (09022015). Collection method: clinical testing. Allele origin: germline.
Comment: In summary, the available evidence is currently insufficient to determine the role of this variant in disease. Therefore, it has been classified as a Variant of Uncertain Significance. Algorithms developed to predict the effect of missense changes on protein structure and function are either unavailable or do not agree on the potential impact of this missense change (SIFT: "Deleterious"; PolyPhen-2: "Not Available"; Align-GVGD: "Class C65"). This variant has not been reported in the literature in individuals affected with COL5A2-related conditions. This variant is not present in population databases (gnomAD no frequency). This sequence change replaces glycine, which is neutral and non-polar, with valine, which is neutral and non-polar, at codon 1014 of the COL5A2 protein (p.Gly1014Val).

NM_000393.5(COL5A2):c.3041G>T (p.Gly1014Val)

Gene: COL5A2 (collagen type V alpha 2 chain; minus strand). Cytogenetic location: 2q32.2.
Variant type: single nucleotide variant.
Coding change: c.3041G>T on transcript NM_000393.5 (MANE Select); coding-DNA position 3041, G replaced by T.
Protein change: p.Gly1014Val; replaces glycine 1014 with valine.
Molecular consequence: missense variant.
Genome position (GRCh38, 1-based): chr2:189,049,453, C>A on the plus strand (G>T on the coding strand, the complement: COL5A2 is on the minus strand). VCF-style: chr2-189049453-C-A. GRCh37 (hg19) VCF-style: chr2-189914179-C-A.
Other names: short protein forms G1014V.
Identifiers: ClinVar variation 2107173 (VCV002107173.4), dbSNP rs2469249924, ClinGen allele CA349866068.